The following is an entry in ClinVar:

NM_001378120.1(MBD5):c.3564C>A (p.Asn1188Lys)

Gene: MBD5 (methyl-CpG binding domain protein 5; plus strand). Cytogenetic location: 2q23.1.
Variant type: single nucleotide variant.
Coding change: c.3564C>A on transcript NM_001378120.1 (MANE Select); coding-DNA position 3564, C replaced by A.
Protein change: p.Asn1188Lys; replaces asparagine 1188 with lysine.
Molecular consequence: missense variant.
Genome position (GRCh38, 1-based): chr2:148,485,761, C>A. VCF-style: chr2-148485761-C-A. GRCh37 (hg19) VCF-style: chr2-149243330-C-A.
Other names: c.2865C>A, p.Asn955Lys (NM_018328.5); short protein forms N955K, N1188K.
Identifiers: ClinVar variation 571425 (VCV000571425.9), dbSNP rs1559096615, ClinGen allele CA348724377.
Genomic context (GRCh38, chr2:148,485,761, plus strand): 5'-AGAATCACATTTATTTATATTTTATGTTTTTCAAACTGTAGGTGATATGTCATCAATAAA[C>A]AATACTTTGAGTAACCATCAACTGACTCATCTACAGTCGCTGTTAAACAACAATCAGATG-3'
Protein context (NP_001365049.1, residues 1178-1198): TGLLGDMSSI[Asn1188Lys]NTLSNHQLTH

ClinVar aggregate classification (germline): Uncertain significance (1 of 4 stars; one submission).

Conditions:
Intellectual developmental disorder, autosomal dominant 1. Also called: Intellectual disability, autosomal dominant 1; MBD5 Haploinsufficiency. Identifiers: Orphanet 228402, MedGen C1969562, MONDO:0007974, OMIM 156200.

Submission:

Labcorp Genetics (formerly Invitae), Labcorp
Classification: Uncertain significance for Intellectual developmental disorder, autosomal dominant 1. Last evaluated: 2021-10-27. Review status: criteria provided, single submitter. Criteria: Invitae Variant Classification Sherloc (09022015). Collection method: clinical testing. Allele origin: germline.
Comment: This sequence change replaces asparagine, a(n) neutral and polar amino acid, with lysine, a(n) basic and polar amino acid, at codon 955 of the MBD5 protein (p.Asn955Lys). This variant is not present in population databases (gnomAD no frequency). This variant has not been reported in the literature in individuals affected with MBD5-related conditions. ClinVar contains an entry for this variant (Variation ID: 571425). Algorithms developed to predict the effect of missense changes on protein structure and function are either unavailable or do not agree on the potential impact of this missense change (SIFT: "Deleterious"; PolyPhen-2: "Not Available"; Align-GVGD: "Class C65"). In summary, the available evidence is currently insufficient to determine the role of this variant in disease. Therefore, it has been classified as a Variant of Uncertain Significance.